The following is an entry in ClinVar:

ClinVar aggregate classification (germline): Uncertain significance (1 of 4 stars; one submission).

Conditions:
Migraine, familial hemiplegic, 1. Also called: MIGRAINE, FAMILIAL HEMIPLEGIC 1, WITH PROGRESSIVE CEREBELLAR ATAXIA. Identifiers: Orphanet 569, MedGen C1832884, MONDO:0020756, OMIM 141500, MONDO:0007714.

Allele frequency attached by ClinVar (database versions not stated): gnomAD exomes below 0.00001; TOPMed below 0.00001; gnomAD 0.00001.
gnomAD v4.1: 3 of 1,613,740 alleles (0.00019%); highest among the groups gnomAD compares: East Asian, 0.0022%; no homozygotes.

Submission:

MGZ Medical Genetics Center
Classification: Uncertain significance for Migraine, familial hemiplegic, 1. Last evaluated: 2021-07-20. Review status: criteria provided, single submitter. Criteria: ACMG Guidelines, 2015. Collection method: clinical testing. Allele origin: germline. Affected: yes. Observed: 1 variant allele.
Comment: ACMG criteria applied: PM2_SUP, PP2, PP3

NM_001127222.2(CACNA1A):c.4702G>A (p.Glu1568Lys)

Gene: CACNA1A (calcium voltage-gated channel subunit alpha1 A; minus strand). Cytogenetic location: 19p13.13.
Variant type: single nucleotide variant.
Coding change: c.4702G>A on transcript NM_001127222.2 (MANE Select); coding-DNA position 4702, G replaced by A.
Protein change: p.Glu1568Lys; replaces glutamic acid 1568 with lysine.
Molecular consequence: missense variant.
Genome position (GRCh38, 1-based): chr19:13,255,148, C>T on the plus strand (G>A on the coding strand, the complement: CACNA1A is on the minus strand). VCF-style: chr19-13255148-C-T. GRCh37 (hg19) VCF-style: chr19-13365962-C-T.
Other names: c.4714G>A, p.Glu1572Lys (NM_000068.4, NM_023035.3); c.4705G>A, p.Glu1569Lys (NM_001127221.2, NM_001174080.2); short protein forms E1568K, E1569K, E1572K.
Identifiers: ClinVar variation 1709810 (VCV001709810.2), dbSNP rs2056511541, ClinGen allele CA404338436.
Genomic context (GRCh38, chr19:13,255,148, plus strand): 5'-CACTTACCTTCATCATAAGCACGATGGTGTTGAGGGCGATCATGGCCATGATCGTGTACT[C>T]GAAAGGCGGAGACACCACGAACTGCCACATGCGGTACTGGAAGCTCTGCTTGTTCTGCGG-3'
Protein context (NP_001120694.1, residues 1558-1578): MWQFVVSPPF[Glu1568Lys]YTIMAMIALN